The following is an entry in ClinVar:

ClinVar aggregate classification (germline): Likely pathogenic. Review status: criteria provided, multiple submitters, no conflicts (2 of 4 stars). 2 submissions from 2 submitters: Likely pathogenic (2). Last evaluated 2023-08-02.

Allele frequency attached by ClinVar (database versions not stated): TOPMed 0.00001.

Submissions (2):

Labcorp Genetics (formerly Invitae), Labcorp
Classification: Likely pathogenic. Last evaluated: 2023-08-02. Review status: criteria provided, single submitter. Criteria: Invitae Variant Classification Sherloc (09022015). Collection method: clinical testing. Allele origin: germline.
Comment: This sequence change affects an acceptor splice site in intron 11 of the MYO15A gene. It is expected to disrupt RNA splicing. Variants that disrupt the donor or acceptor splice site typically lead to a loss of protein function (PMID: 16199547), and loss-of-function variants in MYO15A are known to be pathogenic (PMID: 17546645). This variant is not present in population databases (gnomAD no frequency). This variant has not been reported in the literature in individuals affected with MYO15A-related conditions. In summary, the currently available evidence indicates that the variant is pathogenic, but additional data are needed to prove that conclusively. Therefore, this variant has been classified as Likely Pathogenic. Algorithms developed to predict the effect of sequence changes on RNA splicing suggest that this variant may disrupt the consensus splice site. ClinVar contains an entry for this variant (Variation ID: 805066).

Athena Diagnostics
Classification: Likely pathogenic. Last evaluated: 2019-07-02. Review status: criteria provided, single submitter. Criteria: Athena Diagnostics Criteria. Collection method: clinical testing. Allele origin: germline.
Comment: The variant disrupts a canonical splice site, and is therefore predicted to result in the loss of a functional protein. Not found in the total gnomAD dataset, and the data is high quality (0/278434 chr).

Literature cited by the submitters: PubMed 16199547 (cited by Labcorp Genetics (formerly Invitae), Labcorp); PubMed 17546645 (cited by Labcorp Genetics (formerly Invitae), Labcorp).

NM_016239.4(MYO15A):c.4321-2A>T

Gene: MYO15A (myosin XVA; plus strand). Cytogenetic location: 17p11.2.
Variant type: single nucleotide variant.
Coding change: c.4321-2A>T on transcript NM_016239.4 (MANE Select); the canonical splice acceptor site of the intron before coding-DNA position 4321, A replaced by T.
Molecular consequence: splice acceptor variant.
Genome position (GRCh38, 1-based): chr17:18,133,223, A>T. VCF-style: chr17-18133223-A-T. GRCh37 (hg19) VCF-style: chr17-18036537-A-T.
Identifiers: ClinVar variation 805066 (VCV000805066.4), dbSNP rs1597780918, ClinGen allele CA398593608.